The following is an entry in ClinVar:

NM_004628.5(XPC):c.1773_1775del (p.Val592del)

Gene: XPC (XPC complex subunit, DNA damage recognition and repair factor; minus strand). Cytogenetic location: 3p25.1.
Variant type: Deletion.
Coding change: c.1773_1775del on transcript NM_004628.5 (MANE Select); coding-DNA positions 1773 to 1775, 3 bases deleted (AGT; older notation c.1773_1775delAGT).
Protein change: p.Val592del; deletes valine 592.
Molecular consequence: inframe deletion. On other transcripts: non-coding transcript variant (2), intron variant (1).
Genome position (GRCh38, 1-based): chr3:14,158,108-14,158,110, ACT deleted on the plus strand (AGT on the coding strand, the reverse complement: XPC is on the minus strand). VCF-style (leftmost placement, unchanged base first): chr3-14158107-CACT-C. GRCh37 (hg19) VCF-style: chr3-14199607-CACT-C.
Other names: c.1194_1196del, p.Val399del (NM_001354726.2); c.1773_1775del, p.Val592del (NM_001354727.2); c.1755_1757del, p.Val586del (NM_001354729.2); c.1626+147_1626+149del (NM_001354730.2); short protein forms V592del, V399del, V586del.
Identifiers: ClinVar variation 5004625 (VCV005004625.1).

ClinVar aggregate classification (germline): Uncertain significance (1 of 4 stars; one submission).

Conditions:
Xeroderma pigmentosum, group C (XPC). Also called: XERODERMA PIGMENTOSUM III; XP, GROUP C; Xeroderma pigmentosum, complementation group C; XPC-Related Xeroderma Pigmentosum. Identifiers: Orphanet 910, MedGen C2752147, MONDO:0010211, OMIM 278720.

Submission:

Myriad Genetics, Inc.
Classification: Uncertain significance for Xeroderma pigmentosum, group C. Last evaluated: 2026-04-22. Review status: criteria provided, single submitter. Criteria: Myriad Autosomal Dominant, Autosomal Recessive and X-Linked Classification Criteria (2023). Collection method: clinical testing. Allele origin: unknown.
Comment: NM_004628.4(XPC):c.1773_1775delAGT(V592del) is an in-frame deletion classified as a variant of uncertain significance in the context of xeroderma pigmentosum group C. V592del has not been observed in cases with relevant disease. Relevant functional assessments of this variant are not available in the literature. V592del has not been observed in referenced population frequency databases. In summary, there is insufficient evidence to classify NM_004628.4(XPC):c.1773_1775delAGT(V592del) as pathogenic or benign. Please note: this variant was assessed in the context of healthy population screening.